The following is an entry in ClinVar:

NM_001693.4(ATP6V1B2):c.15G>A (p.Ala5=)

Genes: ATP6V1B2 (ATPase H+ transporting V1 subunit B2; plus strand), LOC129999955 (ATAC-STARR-seq lymphoblastoid silent region 18971; plus strand). Cytogenetic location: 8p21.3.
Variant type: single nucleotide variant.
Coding change: c.15G>A on transcript NM_001693.4 (MANE Select); coding-DNA position 15, G replaced by A.
Protein change: p.Ala5=; no amino-acid change (alanine 5 retained).
Molecular consequence: synonymous variant.
Genome position (GRCh38, 1-based): chr8:20,197,421, G>A. VCF-style: chr8-20197421-G-A. GRCh37 (hg19) VCF-style: chr8-20054932-G-A.
Identifiers: ClinVar variation 3902202 (VCV003902202.1).

ClinVar aggregate classification (germline): Likely benign (1 of 4 stars; one submission).

gnomAD v4.1: 3 of 1,541,822 alleles (0.00019%); highest among the groups gnomAD compares: Non-Finnish European, 0.00026%; no homozygotes.

Submission:

Women's Health and Genetics/Laboratory Corporation of America, LabCorp
Classification: Likely benign. Last evaluated: 2025-05-29. Review status: criteria provided, single submitter. Criteria: LabCorp Variant Classification Summary - May 2015. Collection method: clinical testing. Allele origin: germline.
Comment: Variant summary: ATP6V1B2 c.15G>A alters a non-conserved nucleotide resulting in a synonymous change. Consensus agreement among computation tools predict no significant impact on normal splicing. However, these predictions have yet to be confirmed by functional studies. The variant allele was found at a frequency of 1.2e-05 in 167906 control chromosomes. The available data on variant occurrences in the general population are insufficient to allow any conclusion about variant significance. To our knowledge, no occurrence of c.15G>A in individuals affected with ATP6V1B2-Related Disorders and no experimental evidence demonstrating its impact on protein function have been reported. No submitters have cited clinical-significance assessments for this variant to ClinVar. Based on the evidence outlined above, the variant was classified as likely benign.